The following is an entry in ClinVar:

ClinVar aggregate classification (germline): Uncertain significance. Review status: criteria provided, multiple submitters, no conflicts (2 of 4 stars). 4 submissions from 4 submitters: Uncertain significance (3). 1 of the submissions does not count toward it. Last evaluated 2024-12-05.

Conditions:
ITGA2B-related disorder. Also called: ITGA2B-related disorders; ITGA2B-related condition.
Inborn genetic diseases. Identifiers: MedGen C0950123, MeSH D030342.
Glanzmann thrombasthenia. Also called: THROMBASTHENIA OF GLANZMANN AND NAEGELI; PLATELET GLYCOPROTEIN IIb-IIIa DEFICIENCY; Thrombasthenia; Glanzmann's thrombasthenia. Identifiers: Orphanet 849, MedGen C0040015, MONDO:0100326.

Allele frequency attached by ClinVar (database versions not stated): ExAC 0.00001; gnomAD 0.00003; TOPMed 0.00003; gnomAD exomes 0.00004.
gnomAD v4.1: 68 of 1,613,946 alleles (0.0042%); highest among the groups gnomAD compares: Middle Eastern, 0.016%; no homozygotes.

Submissions (4):

Labcorp Genetics (formerly Invitae), Labcorp
Classification: Uncertain significance for Glanzmann thrombasthenia. Last evaluated: 2024-12-05. Review status: criteria provided, single submitter. Criteria: Invitae Variant Classification Sherloc (09022015). Collection method: clinical testing. Allele origin: germline.
Comment: This sequence change replaces arginine, which is basic and polar, with tryptophan, which is neutral and slightly polar, at codon 988 of the ITGA2B protein (p.Arg988Trp). This variant is present in population databases (rs763254222, gnomAD 0.004%). This variant has not been reported in the literature in individuals affected with ITGA2B-related conditions. ClinVar contains an entry for this variant (Variation ID: 3111199). Invitae Evidence Modeling of protein sequence and biophysical properties (such as structural, functional, and spatial information, amino acid conservation, physicochemical variation, residue mobility, and thermodynamic stability) has been performed for this missense variant. However, the output from this modeling did not meet the statistical confidence thresholds required to predict the impact of this variant on ITGA2B protein function. Algorithms developed to predict the effect of sequence changes on RNA splicing suggest that this variant may disrupt the consensus splice site. In summary, the available evidence is currently insufficient to determine the role of this variant in disease. Therefore, it has been classified as a Variant of Uncertain Significance.

Ambry Genetics
Classification: Uncertain significance for Inborn genetic diseases. Last evaluated: 2024-01-09. Review status: criteria provided, single submitter. Criteria: Ambry Variant Classification Scheme 2023. Collection method: clinical testing. Allele origin: germline.

Blueprint Genetics
Classification: Uncertain significance. Last evaluated: 2020-01-17. Review status: criteria provided, single submitter. Criteria: ACMG Guidelines, 2015. Collection method: clinical testing. Allele origin: germline.

PreventionGenetics, part of Exact Sciences
Classification: Uncertain significance for ITGA2B-related condition. Last evaluated: 2024-08-31. Review status: no assertion criteria provided. Collection method: clinical testing. Allele origin: germline. Not counted in ClinVar's aggregate classification.
Comment: The ITGA2B c.2962C>T variant is predicted to result in the amino acid substitution p.Arg988Trp. To our knowledge, this variant has not been reported in the literature. This variant is reported in 0.0039% of alleles in individuals of European (Non-Finnish) descent in gnomAD. At this time, the clinical significance of this variant is uncertain due to the absence of conclusive functional and genetic evidence.

NM_000419.5(ITGA2B):c.2962C>T (p.Arg988Trp)

Gene: ITGA2B (integrin subunit alpha 2b; minus strand). Cytogenetic location: 17q21.31.
Variant type: single nucleotide variant.
Coding change: c.2962C>T on transcript NM_000419.5 (MANE Select); coding-DNA position 2962, C replaced by T.
Protein change: p.Arg988Trp; replaces arginine 988 with tryptophan.
Molecular consequence: missense variant.
Genome position (GRCh38, 1-based): chr17:44,374,452, G>A on the plus strand (C>T on the coding strand, the complement: ITGA2B is on the minus strand). VCF-style: chr17-44374452-G-A. GRCh37 (hg19) VCF-style: chr17-42451820-G-A.
Other names: c.2962C>T (NM_000419.4); short protein forms R988W.
Identifiers: ClinVar variation 3111199 (VCV003111199.4), dbSNP rs763254222, ClinGen allele CA8602500.